The following is an entry in ClinVar:

NM_022489.4(INF2):c.2611-84G>A

Gene: INF2 (inverted formin 2; plus strand). Cytogenetic location: 14q32.33.
Variant type: single nucleotide variant.
Coding change: c.2611-84G>A on transcript NM_022489.4 (MANE Select); 84 bases into the intron before coding-DNA position 2611, G replaced by A.
Molecular consequence: intron variant.
Genome position (GRCh38, 1-based): chr14:104,712,744, G>A. VCF-style: chr14-104712744-G-A. GRCh37 (hg19) VCF-style: chr14-105179081-G-A.
Other names: c.2611-84G>A (NM_001031714.4).
Identifiers: ClinVar variation 681946 (VCV000681946.4), dbSNP rs10144190, ClinGen allele CA13972635.

ClinVar aggregate classification (germline): Benign. Review status: criteria provided, multiple submitters, no conflicts (2 of 4 stars). 3 submissions from 3 submitters: Benign (3). Last evaluated 2024-07-15.

Allele frequency attached by ClinVar (database versions not stated): gnomAD 0.53555 and 0.54312; gnomAD exomes 0.54197; TOPMed 0.55013; 1000 Genomes Project 30x 0.64007; 1000 Genomes Project 0.64077.
gnomAD v4.1: 810,845 of 1,495,006 alleles (54%); highest among the groups gnomAD compares: East Asian, 91%; 224,153 homozygotes.

Submissions (3):

Unidad de Genómica Garrahan, Hospital de Pediatría Garrahan
Classification: Benign. Last evaluated: 2024-07-15. Review status: criteria provided, single submitter. Criteria: ACMG Guidelines, 2015. Collection method: clinical testing. Allele origin: germline. Affected: no. Observed: 82 variant alleles.
Comment: This variant is classified as Benign based on local population frequency. This variant was detected in 88% of patients studied in a panel designed for Epileptic and Developmental Encephalopathy and Progressive Myoclonus Epilepsy. Number of patients: 82. Only high quality variants are reported.

GeneDx
Classification: Benign. Last evaluated: 2018-06-14. Review status: criteria provided, single submitter. Criteria: GeneDx Variant Classification (06012015). Collection method: clinical testing. Allele origin: germline. Affected: yes.
Comment: This variant is considered likely benign or benign based on one or more of the following criteria: it is a conservative change, it occurs at a poorly conserved position in the protein, it is predicted to be benign by multiple in silico algorithms, and/or has population frequency not consistent with disease.

Breakthrough Genomics
Classification: Benign. Review status: criteria provided, single submitter. Criteria: ACMG Guidelines, 2015. Collection method: not provided. Allele origin: germline. Inheritance: Autosomal dominant inheritance. Affected: yes.